The following is an entry in ClinVar:

ClinVar aggregate classification (germline): Uncertain significance (1 of 4 stars; one submission).

Conditions:
Long QT syndrome (LQTS). Identifiers: MedGen C0023976, MeSH D008133, MONDO:0002442. Disease mechanism: loss of function. Inheritance: Various modes of inheritance.

Submission:

Labcorp Genetics (formerly Invitae), Labcorp
Classification: Uncertain significance for Long QT syndrome. Last evaluated: 2025-03-19. Review status: criteria provided, single submitter. Criteria: Invitae Variant Classification Sherloc (09022015). Collection method: clinical testing. Allele origin: germline.
Comment: This sequence change replaces aspartic acid, which is acidic and polar, with tyrosine, which is neutral and polar, at codon 202 of the KCNQ1 protein (p.Asp202Tyr). This variant also falls at the last nucleotide of exon 3, which is part of the consensus splice site for this exon. This variant is not present in population databases (gnomAD no frequency). This variant has not been reported in the literature in individuals affected with KCNQ1-related conditions. Invitae Evidence Modeling of protein sequence and biophysical properties (such as structural, functional, and spatial information, amino acid conservation, physicochemical variation, residue mobility, and thermodynamic stability) indicates that this missense variant is expected to disrupt KCNQ1 protein function with a positive predictive value of 95%. Variants that disrupt the consensus splice site are a relatively common cause of aberrant splicing (PMID: 17576681, 9536098). Algorithms developed to predict the effect of sequence changes on RNA splicing suggest that this variant may disrupt the consensus splice site. This variant disrupts the p.Asp202 amino acid residue in KCNQ1. Other variant(s) that disrupt this residue have been determined to be pathogenic (internal data). This suggests that this residue is clinically significant, and that variants that disrupt this residue are likely to be disease-causing. In summary, the available evidence is currently insufficient to determine the role of this variant in disease. Therefore, it has been classified as a Variant of Uncertain Significance.

Literature cited by the submitters: PubMed 17576681; PubMed 9536098.

NM_000218.3(KCNQ1):c.604G>T (p.Asp202Tyr)

Gene: KCNQ1 (potassium voltage-gated channel subfamily Q member 1; plus strand). Cytogenetic location: 11p15.5.
Variant type: single nucleotide variant.
Coding change: c.604G>T on transcript NM_000218.3 (MANE Select); coding-DNA position 604, G replaced by T.
Protein change: p.Asp202Tyr; replaces aspartic acid 202 with tyrosine.
Molecular consequence: missense variant. On other transcripts: intron variant (1).
Genome position (GRCh38, 1-based): chr11:2,570,754, G>T. VCF-style: chr11-2570754-G-T. GRCh37 (hg19) VCF-style: chr11-2591984-G-T.
Other names: c.604G>T, p.Asp202Tyr (NM_001406836.1); c.334G>T, p.Asp112Tyr (NM_001406837.1); c.223G>T, p.Asp75Tyr (NM_181798.2); c.478-12681G>T (NM_001406838.1); short protein forms D112Y, D202Y, D75Y.
Identifiers: ClinVar variation 4709527 (VCV004709527.1).